The following is an entry in ClinVar:

ClinVar aggregate classification (germline): Uncertain significance (1 of 4 stars; one submission).

Conditions:
Hereditary cancer-predisposing syndrome. Also called: Hereditary neoplastic syndrome; Neoplastic Syndromes, Hereditary; Tumor predisposition; Hereditary Cancer Syndrome. Identifiers: Orphanet 140162, MedGen C0027672, MeSH D009386, MONDO:0015356.

Submission:

Ambry Genetics
Classification: Uncertain significance for Hereditary cancer-predisposing syndrome. Last evaluated: 2025-08-27. Review status: criteria provided, single submitter. Criteria: Ambry Variant Classification Scheme 2023. Collection method: clinical testing. Allele origin: germline.
Comment: The p.S32C variant (also known as c.94A>T), located in coding exon 2 of the MUTYH gene, results from an A to T substitution at nucleotide position 94. The serine at codon 32 is replaced by cysteine, an amino acid with dissimilar properties. This amino acid position is conserved. In addition, this alteration is predicted to be tolerated by in silico analysis. Based on the available evidence, the clinical significance of this variant remains unclear.

NM_001048174.2(MUTYH):c.52A>T (p.Ser18Cys)

Gene: MUTYH (mutY DNA glycosylase; minus strand). Cytogenetic location: 1p34.1.
Variant type: single nucleotide variant.
Coding change: c.52A>T on transcript NM_001048174.2 (MANE Select); coding-DNA position 52, A replaced by T.
Protein change: p.Ser18Cys; replaces serine 18 with cysteine.
Molecular consequence: missense variant. On other transcripts: 5 prime UTR variant (7), non-coding transcript variant (7).
Genome position (GRCh38, 1-based): chr1:45,334,454, T>A on the plus strand (A>T on the coding strand, the complement: MUTYH is on the minus strand). VCF-style: chr1-45334454-T-A. GRCh37 (hg19) VCF-style: chr1-45800126-T-A.
Other names: c.52A>T, p.Ser18Cys (NM_001048171.2, NM_001048172.2, NM_001048173.2 and 15 more transcripts); c.94A>T, p.Ser32Cys (NM_001128425.2, NM_001293190.2, NM_001407069.1 and 2 more transcripts); c.-161A>T (NM_001293192.2, NM_001293196.2, NM_001407091.1); c.-220A>T (NM_001350650.2); c.-156A>T (NM_001350651.2, NM_001407082.1); c.-105A>T (NM_001407075.1); c.70A>T, p.Ser24Cys (NM_001407087.1); short protein forms S18C, S32C, S24C.
Identifiers: ClinVar variation 4113943 (VCV004113943.1).